The following is an entry in ClinVar:

NM_002439.5(MSH3):c.2596G>C (p.Val866Leu)

Gene: MSH3 (mutS homolog 3; plus strand). Cytogenetic location: 5q14.1.
Variant type: single nucleotide variant.
Coding change: c.2596G>C on transcript NM_002439.5 (MANE Select); coding-DNA position 2596, G replaced by C.
Protein change: p.Val866Leu; replaces valine 866 with leucine.
Molecular consequence: missense variant.
Genome position (GRCh38, 1-based): chr5:80,792,785, G>C. VCF-style: chr5-80792785-G-C. GRCh37 (hg19) VCF-style: chr5-80088604-G-C.
Other names: short protein forms V866L.
Identifiers: ClinVar variation 1045306 (VCV001045306.8), dbSNP rs1744630742, ClinGen allele CA360272940.
Genomic context (GRCh38, chr5:80,792,785, plus strand): 5'-TTTTGCAGACCAACTGTACAAGAAGAAAGAAAAATTGTAATAAAAAATGGAAGGCACCCT[G>C]TGATTGATGTGTTGCTGGGAGAACAGGATCAATATGTCCCAAATAATACAGATTTATCAG-3'
Protein context (NP_002430.3, residues 856-876): KIVIKNGRHP[Val866Leu]IDVLLGEQDQ

ClinVar aggregate classification (germline): Uncertain significance (1 of 4 stars; one submission).

Submission:

Labcorp Genetics (formerly Invitae), Labcorp
Classification: Uncertain significance. Last evaluated: 2024-04-24. Review status: criteria provided, single submitter. Criteria: Invitae Variant Classification Sherloc (09022015). Collection method: clinical testing. Allele origin: germline.
Comment: This sequence change replaces valine, which is neutral and non-polar, with leucine, which is neutral and non-polar, at codon 866 of the MSH3 protein (p.Val866Leu). This variant is not present in population databases (gnomAD no frequency). This variant has not been reported in the literature in individuals affected with MSH3-related conditions. ClinVar contains an entry for this variant (Variation ID: 1045306). An algorithm developed to predict the effect of missense changes on protein structure and function (PolyPhen-2) suggests that this variant is likely to be tolerated. In summary, the available evidence is currently insufficient to determine the role of this variant in disease. Therefore, it has been classified as a Variant of Uncertain Significance.